The following is an entry in ClinVar:

ClinVar aggregate classification (germline): Uncertain significance (1 of 4 stars; one submission).

gnomAD v4.1: 6 of 1,565,766 alleles (0.00038%); highest among the groups gnomAD compares: East Asian, 0.0094%; no homozygotes.

Submission:

Labcorp Genetics (formerly Invitae), Labcorp
Classification: Uncertain significance. Last evaluated: 2025-08-15. Review status: criteria provided, single submitter. Criteria: Invitae Variant Classification Sherloc (09022015). Collection method: clinical testing. Allele origin: germline.
Comment: This sequence change replaces proline, which is neutral and non-polar, with serine, which is neutral and polar, at codon 16 of the OSTM1 protein (p.Pro16Ser). The frequency data for this variant in the population databases is considered unreliable, as metrics indicate poor data quality at this position in the gnomAD database. This variant has not been reported in the literature in individuals affected with OSTM1-related conditions. An algorithm developed to predict the effect of missense changes on protein structure and function (PolyPhen-2) suggests that this variant is likely to be tolerated. In summary, the available evidence is currently insufficient to determine the role of this variant in disease. Therefore, it has been classified as a Variant of Uncertain Significance.

NM_014028.4(OSTM1):c.46C>T (p.Pro16Ser)

Genes: OSTM1 (osteoclastogenesis associated transmembrane protein 1; minus strand), LOC129996933 (ATAC-STARR-seq lymphoblastoid silent region 17446; plus strand). Cytogenetic location: 6q21.
Variant type: single nucleotide variant.
Coding change: c.46C>T on transcript NM_014028.4 (MANE Select); coding-DNA position 46, C replaced by T.
Protein change: p.Pro16Ser; replaces proline 16 with serine.
Molecular consequence: missense variant.
Genome position (GRCh38, 1-based): chr6:108,074,606, G>A on the plus strand (C>T on the coding strand, the complement: OSTM1 is on the minus strand). VCF-style: chr6-108074606-G-A. GRCh37 (hg19) VCF-style: chr6-108395810-G-A.
Other names: short protein forms P16S.
Identifiers: ClinVar variation 4774177 (VCV004774177.1).